The following is an entry in ClinVar:

GRCh38/hg38 8q24.11(chr8:116871751-116875180)x1

Genes: MIR3610 (microRNA 3610; minus strand), RAD21 (RAD21 cohesin complex component; minus strand), RAD21-AS1 (RAD21 antisense RNA 1; plus strand), LOC130000992 (ATAC-STARR-seq lymphoblastoid silent region 19473; plus strand), LOC130000993 (ATAC-STARR-seq lymphoblastoid silent region 19474; plus strand) and 1 more. Cytogenetic location: 8q24.11.
Variant type: copy number loss.
Change: copy number 1 (one copy instead of two) of chr8:116,871,751-116,875,180 (3.4 kb, GRCh38 coordinates, 1-based), cytogenetic band 8q24.11.
Identifiers: ClinVar variation 3571447 (VCV003571447.1).

ClinVar aggregate classification (germline): Uncertain significance (1 of 4 stars; one submission).

Conditions:
Cornelia de Lange syndrome 4 (CDLS4). Also called: RAD21-Related Cornelia de Lange Syndrome; CORNELIA DE LANGE SYNDROME 4 WITH OR WITHOUT MIDLINE BRAIN DEFECTS. Identifiers: Orphanet 199, MedGen C3553517, MONDO:0013864, OMIM 614701.

Submission:

Broad Center for Mendelian Genomics, Broad Institute of MIT and Harvard
Classification: Uncertain significance for Cornelia de Lange syndrome 4. Last evaluated: 2024-12-09. Review status: criteria provided, single submitter. Criteria: ACMG/ClinGen CNV Guidelines, 2019. Collection method: research. Allele origin: de novo. Inheritance: Autosomal dominant inheritance. Affected: yes. Study: GREGoR Consortium.
Comment: The patient phenotype is nonspecific, but is consistent with cases described in the literature. This deletion does not contain any protein-coding sequence or any known functionally important elements. However, RNAseq analysis performed on affected tissue shows decreased expression of the RAD21 gene. In summary, the clinical significance of the deletion is uncertain. The ACMG/ClinGen evidence codes and points used in this curation are as follows: 1: -0.60 points, 2: 0 points, 3: 0 points, 4-5: 0.15 points, Functional evidence: 0.45 points; Total: 0 points; Riggs 2020 (PMID: 31690835).